The following is an entry in ClinVar:

ClinVar aggregate classification (germline): Pathogenic. Review status: criteria provided, multiple submitters, no conflicts (2 of 4 stars). 2 submissions from 2 submitters: Pathogenic (2). Last evaluated 2025-01-27.

Conditions:
Tumoral calcinosis, hyperphosphatemic, familial, 1. Also called: HYPEROSTOSIS WITH HYPERPHOSPHATEMIA; HYPEROSTOSIS-HYPERPHOSPHATEMIA SYNDROME; CORTICAL HYPEROSTOSIS WITH HYPERPHOSPHATEMIA; CALCINOSIS, TUMORAL, WITH HYPERPHOSPHATEMIA; LIPOCALCINOGRANULOMATOSIS; MORBUS TEUTSCHLAENDER. Identifiers: Orphanet 53715, MedGen C4692564, MONDO:0100252, OMIM 211900.

Allele frequency attached by ClinVar (database versions not stated): gnomAD exomes 0.00001 and 0.00002; TOPMed 0.00002; ExAC 0.00003; gnomAD 0.00003.
gnomAD v4.1: 35 of 1,613,892 alleles (0.0022%); highest among the groups gnomAD compares: Non-Finnish European, 0.0027%; no homozygotes.

Submissions (2):

Labcorp Genetics (formerly Invitae), Labcorp
Classification: Pathogenic. Last evaluated: 2025-01-27. Review status: criteria provided, single submitter. Criteria: Invitae Variant Classification Sherloc (09022015). Collection method: clinical testing. Allele origin: germline.
Comment: This sequence change replaces arginine, which is basic and polar, with cysteine, which is neutral and slightly polar, at codon 438 of the GALNT3 protein (p.Arg438Cys). This variant is present in population databases (rs764730691, gnomAD 0.006%). This missense change has been observed in individual(s) with tumoral calcinosis (PMID: 18982401, 21347749, 27164190; internal data). ClinVar contains an entry for this variant (Variation ID: 1403790). Invitae Evidence Modeling of protein sequence and biophysical properties (such as structural, functional, and spatial information, amino acid conservation, physicochemical variation, residue mobility, and thermodynamic stability) indicates that this missense variant is expected to disrupt GALNT3 protein function with a positive predictive value of 80%. Algorithms developed to predict the effect of sequence changes on RNA splicing suggest that this variant may disrupt the consensus splice site. This variant disrupts the p.Arg438 amino acid residue in GALNT3. Other variant(s) that disrupt this residue have been determined to be pathogenic (internal data). This suggests that this residue is clinically significant, and that variants that disrupt this residue are likely to be disease-causing. For these reasons, this variant has been classified as Pathogenic.

Victorian Clinical Genetics Services, Murdoch Childrens Research Institute
Classification: Pathogenic for Tumoral calcinosis, hyperphosphatemic, familial, 1. Last evaluated: 2022-02-02. Review status: criteria provided, single submitter. Criteria: ACMG Guidelines, 2015. Collection method: clinical testing. Allele origin: germline. Inheritance: Autosomal recessive inheritance.
Comment: Based on the classification scheme VCGS_Germline_v1.3.4, this variant is classified as Pathogenic. Following criteria are met: 0102 - Loss of function is a known mechanism of disease in this gene and is associated with hyperphosphatemic familial tumoral calcinosis 1 (MIM#211900). (I) 0106 - This gene is associated with autosomal recessive disease. (I) 0115 - Variants in this gene are known to have variable expressivity. Tumoral calcinosis (TC) and hyperostosis-hyperphosphatemia syndrome (HHS) are a continuous spectrum. TC is characterized by the presence of ectopic calcifications around major joints, whereas HHS is characterized by recurrent long bone lesions with hyperostosis (PMID: 20358599). (I) 0200 - Variant is predicted to result in a missense amino acid change from arginine to cysteine. (I) 0251 - This variant is heterozygous. (I) 0304 - Variant is present in gnomAD <0.01 for a recessive condition (v3: 4 heterozygotes, 0 homozygotes). (SP) 0309 - Multiple alternative amino acid changes at the same position have been observed in gnomAD (v3) (highest allele count: 2 heterozygotes, 0 homozygotes). (I) 0501 - Missense variant consistently predicted to be damaging by multiple in silico tools or highly conserved with a major amino acid change. (SP) 0600 - Variant is located in the annotated pp-GalNAc-T domain (NCBI). (I) 0704 - Another missense variant comparable to the one identified in this case has limited previous evidence for pathogenicity. p.(Arg438His) has been detected in a homozygote individual with hyperostosis (PMID: 27867679). (SP) 0803 - This variant has limited previous evidence of pathogenicity in unrelated individuals. It has been reported in a compound heterozygote individual with features of both tumoral calcinosis and hyperostosis-hyperphosphatemia (PMID: 18982401). In addition, it has been reported in a homozygote individual with tumoral calcinosis (PMID: 21347749). (SP) 0905 - No published segregation evidence has been identified for this variant. (I) 1007 - No published functional evidence has been identified for this variant. (I) 1201 - Heterozygous variant detected in trans with a second pathogenic heterozygous variant (p.(Tyr298Thrfs*5)) in a recessive disease. (I) Legend: (SP) - Supporting pathogenic, (I) - Information, (SB) - Supporting benign

Literature cited by the submitters: PubMed 18982401 (cited by Labcorp Genetics (formerly Invitae), Labcorp and Victorian Clinical Genetics Services, Murdoch Childrens Research Institute); PubMed 21347749 (cited by Labcorp Genetics (formerly Invitae), Labcorp and Victorian Clinical Genetics Services, Murdoch Childrens Research Institute); PubMed 27164190 (cited by Labcorp Genetics (formerly Invitae), Labcorp); PubMed 20358599 (cited by Victorian Clinical Genetics Services, Murdoch Childrens Research Institute); PubMed 27867679 (cited by Victorian Clinical Genetics Services, Murdoch Childrens Research Institute).

NM_004482.4(GALNT3):c.1312C>T (p.Arg438Cys)

Gene: GALNT3 (polypeptide N-acetylgalactosaminyltransferase 3; minus strand). Cytogenetic location: 2q24.3.
Variant type: single nucleotide variant.
Coding change: c.1312C>T on transcript NM_004482.4 (MANE Select); coding-DNA position 1312, C replaced by T.
Protein change: p.Arg438Cys; replaces arginine 438 with cysteine.
Molecular consequence: missense variant.
Genome position (GRCh38, 1-based): chr2:165,757,127, G>A on the plus strand (C>T on the coding strand, the complement: GALNT3 is on the minus strand). VCF-style: chr2-165757127-G-A. GRCh37 (hg19) VCF-style: chr2-166613637-G-A.
Other names: short protein forms R438C.
Identifiers: ClinVar variation 1403790 (VCV001403790.10), dbSNP rs764730691, ClinGen allele CA1940984.